The following is an entry in ClinVar:

ClinVar aggregate classification (germline): Uncertain significance (1 of 4 stars; one submission).

Conditions:
Progressive sclerosing poliodystrophy (MTDPS4A). Also called: NEURONAL DEGENERATION OF CHILDHOOD WITH LIVER DISEASE, PROGRESSIVE; Alpers Syndrome; ALPERS DIFFUSE DEGENERATION OF CEREBRAL GRAY MATTER WITH HEPATIC CIRRHOSIS; Alpers-Huttenlocher Syndrome; Mitochondrial DNA depletion syndrome 4A (Alpers type); Mitochondrial DNA Depletion Syndrome 4A. Identifiers: Orphanet 726, MedGen C0205710, MONDO:0008758, OMIM 203700.

Submission:

Labcorp Genetics (formerly Invitae), Labcorp
Classification: Uncertain significance for Progressive sclerosing poliodystrophy. Last evaluated: 2024-05-06. Review status: criteria provided, single submitter. Criteria: Invitae Variant Classification Sherloc (09022015). Collection method: clinical testing. Allele origin: germline.
Comment: This variant, c.510_515dup, results in the insertion of 2 amino acid(s) of the POLG protein (p.Trp171_Ala172dup), but otherwise preserves the integrity of the reading frame. This variant is not present in population databases (gnomAD no frequency). This variant has not been reported in the literature in individuals affected with POLG-related conditions. ClinVar contains an entry for this variant (Variation ID: 1348858). Experimental studies and prediction algorithms are not available or were not evaluated, and the functional significance of this variant is currently unknown. In summary, the available evidence is currently insufficient to determine the role of this variant in disease. Therefore, it has been classified as a Variant of Uncertain Significance.

NM_002693.3(POLG):c.510_515dup (p.169WA[3])

Genes: POLG (DNA polymerase gamma, catalytic subunit; minus strand), POLGARF (POLG alternative reading frame; minus strand). Cytogenetic location: 15q26.1.
Variant type: Duplication.
Coding change: c.510_515dup on transcript NM_002693.3 (MANE Select); coding-DNA positions 510 to 515, 6 bases duplicated (CTGGGC; older notation c.510_515dupCTGGGC).
Protein change: p.169WA[3].
Molecular consequence: inframe insertion.
Genome position (GRCh38, 1-based): chr15:89,333,240-89,333,245, GCCCAG duplicated on the plus strand (CTGGGC on the coding strand, the reverse complement: POLG is on the minus strand); duplicating any 6 consecutive bases within chr15:89,333,240-89,333,250 gives the same sequence; the c. name uses the placement nearest the transcript's 3' end. VCF-style (leftmost placement, unchanged base first): chr15-89333239-C-CGCCCAG. GRCh37 (hg19) VCF-style: chr15-89876470-C-CGCCCAG.
Other names: c.510_515dup, p.169WA[3] (NM_001126131.2).
Identifiers: ClinVar variation 1348858 (VCV001348858.8), dbSNP rs2141814680, ClinGen allele CA2573151274.